The following is an entry in ClinVar:

NM_000329.3(RPE65):c.284A>G (p.Glu95Gly)

Gene: RPE65 (retinoid isomerohydrolase RPE65; minus strand). Cytogenetic location: 1p31.3.
Variant type: single nucleotide variant.
Coding change: c.284A>G on transcript NM_000329.3 (MANE Select); coding-DNA position 284, A replaced by G.
Protein change: p.Glu95Gly; replaces glutamic acid 95 with glycine.
Molecular consequence: missense variant. On other transcripts: intron variant (1).
Genome position (GRCh38, 1-based): chr1:68,444,845, T>C on the plus strand (A>G on the coding strand, the complement: RPE65 is on the minus strand). VCF-style: chr1-68444845-T-C. GRCh37 (hg19) VCF-style: chr1-68910528-T-C.
Other names: c.8A>G, p.Glu3Gly (NM_001406856.1, NM_001406857.1); c.284A>G, p.Glu95Gly (NM_001406859.1, NM_001406860.1); c.246-173A>G (NM_001406853.1); short protein forms E3G, E95G.
Identifiers: ClinVar variation 2949591 (VCV002949591.3), dbSNP rs2523445789, ClinGen allele CA340748386.
Genomic context (GRCh38, chr1:68,444,845, plus strand): 5'-ATATTCTTGCAGGGATCTGGGAAAGCACAGGTGCCAAATTCTGTTATGACGATCCTTTTC[T>C]CAGTCATTGCCCGTACGTAAGCATCAGTGCGGATGAACCTGAAGGACATTGAAACATAGG-3'
Protein context (NP_000320.1, residues 85-105): RTDAYVRAMT[Glu95Gly]KRIVITEFGT

ClinVar aggregate classification (germline): Uncertain significance (1 of 4 stars; one submission).

Conditions:
Retinitis pigmentosa 20 (RP20). Identifiers: Orphanet 791, MedGen C3151086, MONDO:0013425, OMIM 613794.
Leber congenital amaurosis 2 (LCA2). Also called: AMAUROSIS CONGENITA OF LEBER II; Autosomal Recessive RPE65-Related Retinal Degeneration. Identifiers: Orphanet 65, MedGen C1859844, MONDO:0008765, OMIM 204100. Disease mechanism: loss of function.

Submission:

Labcorp Genetics (formerly Invitae), Labcorp
Classification: Uncertain significance for Leber congenital amaurosis 2; Retinitis pigmentosa 20. Last evaluated: 2023-07-09. Review status: criteria provided, single submitter. Criteria: Invitae Variant Classification Sherloc (09022015). Collection method: clinical testing. Allele origin: germline.
Comment: In summary, the available evidence is currently insufficient to determine the role of this variant in disease. Therefore, it has been classified as a Variant of Uncertain Significance. This variant disrupts the p.Glu95 amino acid residue in RPE65. Other variant(s) that disrupt this residue have been observed in individuals with RPE65-related conditions (PMID: 11095629, 35129589), which suggests that this may be a clinically significant amino acid residue. Advanced modeling of protein sequence and biophysical properties (such as structural, functional, and spatial information, amino acid conservation, physicochemical variation, residue mobility, and thermodynamic stability) performed at Invitae indicates that this missense variant is not expected to disrupt RPE65 protein function. This missense change has been observed in individual(s) with retinitis pigmentosa (PMID: 35129589). This variant is not present in population databases (gnomAD no frequency). This sequence change replaces glutamic acid, which is acidic and polar, with glycine, which is neutral and non-polar, at codon 95 of the RPE65 protein (p.Glu95Gly).

Literature cited by the submitters: PubMed 11095629; PubMed 35129589.